The following is an entry in ClinVar:

NM_003742.4(ABCB11):c.908+1G>T

Gene: ABCB11 (ATP binding cassette subfamily B member 11; minus strand). Cytogenetic location: 2q31.1.
Variant type: single nucleotide variant.
Coding change: c.908+1G>T on transcript NM_003742.4 (MANE Select); the canonical splice donor site of the intron after coding-DNA position 908, G replaced by T.
Molecular consequence: splice donor variant.
Genome position (GRCh38, 1-based): chr2:168,990,800, C>A on the plus strand (G>T on the coding strand, the complement: ABCB11 is on the minus strand). VCF-style: chr2-168990800-C-A. GRCh37 (hg19) VCF-style: chr2-169847310-C-A.
Identifiers: ClinVar variation 955709 (VCV000955709.10), dbSNP rs147649016, ClinGen allele CA349125435.
Genomic context (GRCh38, chr2:168,990,800, plus strand): 5'-GACTCAGGGTACTATGCTGATTGATGAAATTAAGGAAAGAATCAGATTCCAATTAACCAA[C>A]CTTTCAACCTCTCTTTTCTCACCACCAAAAGCAGCCACTGTTCTCATTGATGAAATGACT-3'

ClinVar aggregate classification (germline): Pathogenic. Review status: criteria provided, multiple submitters, no conflicts (2 of 4 stars). 3 submissions from 3 submitters: Pathogenic (3). Last evaluated 2026-04-14.

Conditions:
Familial intrahepatic cholestasis. Identifiers: Orphanet 284385, MedGen CN296401, MONDO:0017290.
Progressive familial intrahepatic cholestasis type 2. Identifiers: Orphanet 79304, MedGen C3489789, MONDO:0011156, OMIM 601847.

Allele frequency attached by ClinVar (database versions not stated): TOPMed 0.00001.
gnomAD v4.1: 2 of 1,612,714 alleles (0.00012%); highest among the groups gnomAD compares: Non-Finnish European, 0.00017%; no homozygotes.

Submissions (3):

Genomenon, Inc
Classification: Pathogenic for Familial intrahepatic cholestasis. Last evaluated: 2026-04-14. Review status: criteria provided, single submitter. Criteria: Genomenon Sequence Variant Interpretation Standards - Updated. Collection method: curation. Allele origin: germline. Affected: yes.
Comment: ABCB11 c.908+1G>T is a canonical splice variant affecting the donor splice site of intron 9. It is predicted to affect mRNA splicing, leading to a deleterious effect on the ABCB11 protein. This variant has been observed in at least one proband with an ABCB11-related disorder (PMID:32087350;28733223;27706244). It is absent or not present at a significant frequency in gnomAD. In conclusion, we classify ABCB11 c.908+1G>T as a pathogenic variant.

Broad Center for Mendelian Genomics, Broad Institute of MIT and Harvard
Classification: Pathogenic for Progressive familial intrahepatic cholestasis type 2. Last evaluated: 2025-01-30. Review status: criteria provided, single submitter. Criteria: ACMG Guidelines, 2015. Collection method: curation. Allele origin: germline. Inheritance: Autosomal recessive inheritance.
Comment: The c.908+1G>T variant in ABCB11 as been reported in 1 individual with BSEP deficiency (PMID: 16871584), and has been identified in 0.0002% (2/1179114) of European (non-Finnish) chromosomes by the Genome Aggregation Database (gnomAD; dbSNP rs147649016). Although this variant has been seen in the general population in a heterozygous state, its frequency is low enough to be consistent with a recessive carrier frequency. This variant has also been reported in ClinVar (Variation ID: 955709) and has been interpreted as pathogenic by Invitae. This variant is located in the 3' splice region. Computational tools predict a splicing impact, though this information is not predictive enough to determine pathogenicity. Loss of function of the ABCB11 gene is an established disease mechanism in autosomal recessive BSEP deficiency. One additional pathogenic variant, predicted to induce the same splicing effect as this variant, has been reported in ClinVar as being associated with BSEP deficiency, supporting that the c.908+1G>T variant may be pathogenic (Variation ID: 285414). In summary, this variant meets criteria to be classified as pathogenic for autosomal recessive BSEP deficiency. ACMG/AMP Criteria applied: PVS1, PM2_supporting, PS1_supporting (Richards 2015).

Labcorp Genetics (formerly Invitae), Labcorp
Classification: Pathogenic. Last evaluated: 2024-03-09. Review status: criteria provided, single submitter. Criteria: Invitae Variant Classification Sherloc (09022015). Collection method: clinical testing. Allele origin: germline.
Comment: This sequence change affects a donor splice site in intron 9 of the ABCB11 gene. It is expected to disrupt RNA splicing. Variants that disrupt the donor or acceptor splice site typically lead to a loss of protein function (PMID: 16199547), and loss-of-function variants in ABCB11 are known to be pathogenic (PMID: 18395098, 20232290). This variant is not present in population databases (gnomAD no frequency). Disruption of this splice site has been observed in individuals with progressive familial intrahepatic cholestasis (PMID: 16871584, 18395098, 24991443). ClinVar contains an entry for this variant (Variation ID: 955709). Algorithms developed to predict the effect of sequence changes on RNA splicing suggest that this variant may disrupt the consensus splice site. For these reasons, this variant has been classified as Pathogenic.

Literature cited by the submitters: PubMed 32087350 (cited by Genomenon, Inc); PubMed 28733223 (cited by Genomenon, Inc); PubMed 27706244 (cited by Genomenon, Inc); PubMed 16199547 (cited by Labcorp Genetics (formerly Invitae), Labcorp); PubMed 18395098 (cited by Labcorp Genetics (formerly Invitae), Labcorp); PubMed 20232290 (cited by Labcorp Genetics (formerly Invitae), Labcorp); PubMed 16871584 (cited by Labcorp Genetics (formerly Invitae), Labcorp); PubMed 24991443 (cited by Labcorp Genetics (formerly Invitae), Labcorp).